The following is an entry in ClinVar:

NM_001127453.2(GSDME):c.1061A>C (p.Gln354Pro)

Gene: GSDME (gasdermin E; minus strand). Cytogenetic location: 7p15.3.
Variant type: single nucleotide variant.
Coding change: c.1061A>C on transcript NM_001127453.2 (MANE Select); coding-DNA position 1061, A replaced by C.
Protein change: p.Gln354Pro; replaces glutamine 354 with proline.
Molecular consequence: missense variant.
Genome position (GRCh38, 1-based): chr7:24,706,306, T>G on the plus strand (A>C on the coding strand, the complement: GSDME is on the minus strand). VCF-style: chr7-24706306-T-G. GRCh37 (hg19) VCF-style: chr7-24745925-T-G.
Other names: c.1061A>C (NM_004403.2); c.569A>C, p.Gln190Pro (NM_001127454.2); c.1061A>C, p.Gln354Pro (NM_004403.3); short protein forms Q190P, Q354P.
Identifiers: ClinVar variation 1680827 (VCV001680827.10), dbSNP rs573258363, ClinGen allele CA4191416.

ClinVar aggregate classification (germline): Conflicting classifications of pathogenicity. Review status: criteria provided, conflicting classifications (1 of 4 stars). 3 submissions from 3 submitters: Uncertain significance (1); Likely benign (1). 1 of the submissions does not count toward it. Last evaluated 2025-02-24.

Conditions:
Inborn genetic diseases. Identifiers: MedGen C0950123, MeSH D030342.
GSDME-related disorder. Also called: GSDME-related condition.

Allele frequency attached by ClinVar (database versions not stated): ExAC 0.00003; gnomAD exomes 0.00003 and 0.00005; gnomAD 0.00004; TOPMed 0.00005.
gnomAD v4.1: 54 of 1,613,892 alleles (0.0033%); highest among the groups gnomAD compares: Middle Eastern, 0.034%; no homozygotes.

Submissions (3):

Labcorp Genetics (formerly Invitae), Labcorp
Classification: Likely benign. Last evaluated: 2025-02-24. Review status: criteria provided, single submitter. Criteria: Invitae Variant Classification Sherloc (09022015). Collection method: clinical testing. Allele origin: germline.

Ambry Genetics
Classification: Uncertain significance for Inborn genetic diseases. Last evaluated: 2024-01-24. Review status: criteria provided, single submitter. Criteria: Ambry Variant Classification Scheme 2023. Collection method: clinical testing. Allele origin: germline.

PreventionGenetics, part of Exact Sciences
Classification: Likely benign for GSDME-related condition. Last evaluated: 2024-07-15. Review status: no assertion criteria provided. Collection method: clinical testing. Allele origin: germline. Not counted in ClinVar's aggregate classification.
Comment: This variant is classified as likely benign based on ACMG/AMP sequence variant interpretation guidelines (Richards et al. 2015 PMID: 25741868, with internal and published modifications).